The following is an entry in ClinVar:

NM_020436.5(SALL4):c.2502G>A (p.Pro834=)

Gene: SALL4 (spalt like transcription factor 4; minus strand). Cytogenetic location: 20q13.2.
Variant type: single nucleotide variant.
Coding change: c.2502G>A on transcript NM_020436.5 (MANE Select); coding-DNA position 2502, G replaced by A.
Protein change: p.Pro834=; no amino-acid change (proline 834 retained).
Molecular consequence: synonymous variant.
Genome position (GRCh38, 1-based): chr20:51,789,101, C>T on the plus strand (G>A on the coding strand, the complement: SALL4 is on the minus strand). VCF-style: chr20-51789101-C-T. GRCh37 (hg19) VCF-style: chr20-50405640-C-T.
Other names: c.1191G>A, p.Pro397= (NM_001318031.2).
Identifiers: ClinVar variation 2652411 (VCV002652411.24), dbSNP rs1181047560, ClinGen allele CA511025567.

ClinVar aggregate classification (germline): Likely benign (1 of 4 stars; one submission).

Allele frequency attached by ClinVar (database versions not stated): TOPMed below 0.00001; gnomAD 0.00001.
gnomAD v4.1: 11 of 1,614,018 alleles (0.00068%); highest among the groups gnomAD compares: Middle Eastern, 0.016%; no homozygotes.

Submission:

CeGaT Center for Human Genetics Tuebingen
Classification: Likely benign. Last evaluated: 2022-03-01. Review status: criteria provided, single submitter. Criteria: CeGaT Center For Human Genetics Tuebingen Variant Classification Criteria Version 2. Collection method: clinical testing. Allele origin: germline. Affected: yes. Observed: 1 variant allele.
Comment: SALL4: BP4, BP7